The following is an entry in ClinVar:

ClinVar aggregate classification (germline): Uncertain significance (1 of 4 stars; one submission).

gnomAD v4.1: 17 of 1,599,212 alleles (0.0011%); highest among the groups gnomAD compares: Non-Finnish European, 0.0014%; no homozygotes.

Submission:

Labcorp Genetics (formerly Invitae), Labcorp
Classification: Uncertain significance. Last evaluated: 2025-01-23. Review status: criteria provided, single submitter. Criteria: Invitae Variant Classification Sherloc (09022015). Collection method: clinical testing. Allele origin: germline.
Comment: This sequence change falls in intron 2 of the MBD4 gene. It does not directly change the encoded amino acid sequence of the MBD4 protein. This variant is present in population databases (rs372118256, gnomAD 0.003%). This variant has not been reported in the literature in individuals affected with MBD4-related conditions. Algorithms developed to predict the effect of sequence changes on RNA splicing suggest that this variant may disrupt the consensus splice site. In summary, the available evidence is currently insufficient to determine the role of this variant in disease. Therefore, it has been classified as a Variant of Uncertain Significance.

NM_001276270.2(MBD4):c.336-11T>C

Gene: MBD4 (methyl-CpG binding domain 4, DNA glycosylase; minus strand). Cytogenetic location: 3q21.3.
Variant type: single nucleotide variant.
Coding change: c.336-11T>C on transcript NM_001276270.2 (MANE Select); 11 bases into the intron before coding-DNA position 336, T replaced by C.
Molecular consequence: intron variant.
Genome position (GRCh38, 1-based): chr3:129,437,319, A>G on the plus strand (T>C on the coding strand, the complement: MBD4 is on the minus strand). VCF-style: chr3-129437319-A-G. GRCh37 (hg19) VCF-style: chr3-129156162-A-G.
Other names: c.247+489T>C (NM_001276273.2); c.336-11T>C (NM_001276272.2, NM_003925.3, NM_001276271.2).
Identifiers: ClinVar variation 3675527 (VCV003675527.2).